The following is an entry in ClinVar:

NM_001077620.3(PRCD):c.67G>T (p.Val23Phe)

Genes: CYGB (cytoglobin; minus strand), PRCD (photoreceptor disc component; plus strand). Cytogenetic location: 17q25.1.
Variant type: single nucleotide variant.
Coding change: c.67G>T on transcript NM_001077620.3 (MANE Select); coding-DNA position 67, G replaced by T.
Protein change: p.Val23Phe; replaces valine 23 with phenylalanine.
Molecular consequence: missense variant.
Genome position (GRCh38, 1-based): chr17:76,540,208, G>T. VCF-style: chr17-76540208-G-T. GRCh37 (hg19) VCF-style: chr17-74536290-G-T.
Other names: short protein forms V23F.
Identifiers: ClinVar variation 1388446 (VCV001388446.6), dbSNP rs1194786605, ClinGen allele CA401181015.

ClinVar aggregate classification (germline): Uncertain significance (1 of 4 stars; one submission).

Allele frequency attached by ClinVar (database versions not stated): gnomAD 0.00002.
gnomAD v4.1: 2 of 1,413,862 alleles (0.00014%); highest among the groups gnomAD compares: African/African-American, 0.0031%; no homozygotes.

Submission:

Labcorp Genetics (formerly Invitae), Labcorp
Classification: Uncertain significance. Last evaluated: 2021-10-21. Review status: criteria provided, single submitter. Criteria: Invitae Variant Classification Sherloc (09022015). Collection method: clinical testing. Allele origin: germline.
Comment: In summary, the available evidence is currently insufficient to determine the role of this variant in disease. Therefore, it has been classified as a Variant of Uncertain Significance. Algorithms developed to predict the effect of missense changes on protein structure and function (SIFT, PolyPhen-2, Align-GVGD) all suggest that this variant is likely to be disruptive. This missense change has been observed in individual(s) with clinical features of retinitis pigmentosa (Invitae). In at least one individual the data is consistent with the variant being in trans (on the opposite chromosome) from a pathogenic variant. This variant is present in population databases (no rsID available, gnomAD 0.01%). This sequence change replaces valine, which is neutral and non-polar, with phenylalanine, which is neutral and non-polar, at codon 23 of the PRCD protein (p.Val23Phe).